The following is an entry in ClinVar:

NM_000329.3(RPE65):c.814G>A (p.Gly272Arg)

Gene: RPE65 (retinoid isomerohydrolase RPE65; minus strand). Cytogenetic location: 1p31.3.
Variant type: single nucleotide variant.
Coding change: c.814G>A on transcript NM_000329.3 (MANE Select); coding-DNA position 814, G replaced by A.
Protein change: p.Gly272Arg; replaces glycine 272 with arginine.
Molecular consequence: missense variant.
Genome position (GRCh38, 1-based): chr1:68,439,235, C>T on the plus strand (G>A on the coding strand, the complement: RPE65 is on the minus strand). VCF-style: chr1-68439235-C-T. GRCh37 (hg19) VCF-style: chr1-68904918-C-T.
Other names: c.706G>A, p.Gly236Arg (NM_001406853.1); c.538G>A, p.Gly180Arg (NM_001406856.1, NM_001406857.1); c.814G>A, p.Gly272Arg (NM_001406859.1); short protein forms G180R, G236R, G272R.
Identifiers: ClinVar variation 3764030 (VCV003764030.2).

ClinVar aggregate classification (germline): Uncertain significance (1 of 4 stars; one submission).

Conditions:
Leber congenital amaurosis 2 (LCA2). Also called: Autosomal Recessive RPE65-Related Retinal Degeneration; AMAUROSIS CONGENITA OF LEBER II. Identifiers: Orphanet 65, MedGen C1859844, MONDO:0008765, OMIM 204100. Disease mechanism: loss of function.
Retinitis pigmentosa 20 (RP20). Identifiers: Orphanet 791, MedGen C3151086, MONDO:0013425, OMIM 613794.

Submission:

Labcorp Genetics (formerly Invitae), Labcorp
Classification: Uncertain significance for Leber congenital amaurosis 2; Retinitis pigmentosa 20. Last evaluated: 2024-11-14. Review status: criteria provided, single submitter. Criteria: Invitae Variant Classification Sherloc (09022015). Collection method: clinical testing. Allele origin: germline.
Comment: This sequence change replaces glycine, which is neutral and non-polar, with arginine, which is basic and polar, at codon 272 of the RPE65 protein (p.Gly272Arg). This variant is not present in population databases (gnomAD no frequency). This variant has not been reported in the literature in individuals affected with RPE65-related conditions. Invitae Evidence Modeling of protein sequence and biophysical properties (such as structural, functional, and spatial information, amino acid conservation, physicochemical variation, residue mobility, and thermodynamic stability) has been performed for this missense variant. However, the output from this modeling did not meet the statistical confidence thresholds required to predict the impact of this variant on RPE65 protein function. In summary, the available evidence is currently insufficient to determine the role of this variant in disease. Therefore, it has been classified as a Variant of Uncertain Significance.